The following is an entry in ClinVar:

NM_001105206.3(LAMA4):c.4513C>A (p.His1505Asn)

Gene: LAMA4 (laminin subunit alpha 4; minus strand). Cytogenetic location: 6q21.
Variant type: single nucleotide variant.
Coding change: c.4513C>A on transcript NM_001105206.3 (MANE Select); coding-DNA position 4513, C replaced by A.
Protein change: p.His1505Asn; replaces histidine 1505 with asparagine.
Molecular consequence: missense variant.
Genome position (GRCh38, 1-based): chr6:112,120,435, G>T on the plus strand (C>A on the coding strand, the complement: LAMA4 is on the minus strand). VCF-style: chr6-112120435-G-T. GRCh37 (hg19) VCF-style: chr6-112441638-G-T.
Other names: c.4492C>A, p.His1498Asn (NM_001105207.3, NM_002290.5); short protein forms H1498N, H1505N.
Identifiers: ClinVar variation 1740978 (VCV001740978.2), dbSNP rs1554325797, ClinGen allele CA365369939.

ClinVar aggregate classification (germline): Uncertain significance (1 of 4 stars; one submission).

Conditions:
Cardiovascular phenotype. Identifiers: MedGen CN230736.

Submission:

Ambry Genetics
Classification: Uncertain significance for Cardiovascular phenotype. Last evaluated: 2020-01-08. Review status: criteria provided, single submitter. Criteria: Ambry Variant Classification Scheme 2023. Collection method: clinical testing. Allele origin: germline.
Comment: The p.H1498N variant (also known as c.4492C>A), located in coding exon 32 of the LAMA4 gene, results from a C to A substitution at nucleotide position 4492. The histidine at codon 1498 is replaced by asparagine, an amino acid with similar properties. This amino acid position is well conserved in available vertebrate species; however, asparagine is the reference amino acid in other vertebrate species. In addition, this alteration is predicted to be tolerated by in silico analysis. Since supporting evidence is limited at this time, the clinical significance of this alteration remains unclear.